The following is an entry in ClinVar:

ClinVar aggregate classification (germline): Uncertain significance (1 of 4 stars; one submission).

Allele frequency attached by ClinVar (database versions not stated): gnomAD 0.00014; TOPMed 0.00015; ESP Exome Variant Server 0.00042.
gnomAD v4.1: 205 of 1,613,928 alleles (0.013%); highest among the groups gnomAD compares: Non-Finnish European, 0.016%; no homozygotes.

Submission:

Labcorp Genetics (formerly Invitae), Labcorp
Classification: Uncertain significance. Last evaluated: 2025-05-13. Review status: criteria provided, single submitter. Criteria: Invitae Variant Classification Sherloc (09022015). Collection method: clinical testing. Allele origin: germline.
Comment: This sequence change replaces valine, which is neutral and non-polar, with alanine, which is neutral and non-polar, at codon 1303 of the FN1 protein (p.Val1303Ala). This variant is present in population databases (rs200561534, gnomAD 0.02%), and has an allele count higher than expected for a pathogenic variant. This variant has not been reported in the literature in individuals affected with FN1-related conditions. ClinVar contains an entry for this variant (Variation ID: 2203259). An algorithm developed to predict the effect of missense changes on protein structure and function (PolyPhen-2) suggests that this variant is likely to be disruptive. In summary, the available evidence is currently insufficient to determine the role of this variant in disease. Therefore, it has been classified as a Variant of Uncertain Significance.

NM_212482.4(FN1):c.3908T>C (p.Val1303Ala)

Gene: FN1 (fibronectin 1; minus strand). Cytogenetic location: 2q35.
Variant type: single nucleotide variant.
Coding change: c.3908T>C on transcript NM_212482.4 (MANE Select); coding-DNA position 3908, T replaced by C.
Protein change: p.Val1303Ala; replaces valine 1303 with alanine.
Molecular consequence: missense variant. On other transcripts: intron variant (10).
Genome position (GRCh38, 1-based): chr2:215,393,092, A>G on the plus strand (T>C on the coding strand, the complement: FN1 is on the minus strand). VCF-style: chr2-215393092-A-G. GRCh37 (hg19) VCF-style: chr2-216257815-A-G.
Other names: c.3908T>C, p.Val1303Ala (NM_001306129.2, NM_001306130.2, NM_001365517.2 and 3 more transcripts); c.3797-1278T>C (NM_212474.3, NM_001306132.2, NM_001365523.2 and 7 more transcripts); short protein forms V1303A.
Identifiers: ClinVar variation 2203259 (VCV002203259.4), dbSNP rs200561534, ClinGen allele CA2094583.